The following is an entry in ClinVar:

ClinVar aggregate classification (germline): Uncertain significance (1 of 4 stars; one submission).

Allele frequency attached by ClinVar (database versions not stated): TOPMed below 0.00001; gnomAD exomes 0.00001.
gnomAD v4.1: 18 of 1,614,094 alleles (0.0011%); highest among the groups gnomAD compares: Non-Finnish European, 0.0015%; no homozygotes.

Submission:

Labcorp Genetics (formerly Invitae), Labcorp
Classification: Uncertain significance. Last evaluated: 2025-11-01. Review status: criteria provided, single submitter. Criteria: Invitae Variant Classification Sherloc (09022015). Collection method: clinical testing. Allele origin: germline.
Comment: This sequence change replaces valine, which is neutral and non-polar, with alanine, which is neutral and non-polar, at codon 198 of the COL7A1 protein (p.Val198Ala). This variant is not present in population databases (gnomAD no frequency). This variant has not been reported in the literature in individuals affected with COL7A1-related conditions. ClinVar contains an entry for this variant (Variation ID: 2779586). Invitae Evidence Modeling of protein sequence and biophysical properties (such as structural, functional, and spatial information, amino acid conservation, physicochemical variation, residue mobility, and thermodynamic stability) indicates that this missense variant is not expected to disrupt COL7A1 protein function with a negative predictive value of 95%. In summary, the available evidence is currently insufficient to determine the role of this variant in disease. Therefore, it has been classified as a Variant of Uncertain Significance.

NM_000094.4(COL7A1):c.593T>C (p.Val198Ala)

Gene: COL7A1 (collagen type VII alpha 1 chain; minus strand). Cytogenetic location: 3p21.31.
Variant type: single nucleotide variant.
Coding change: c.593T>C on transcript NM_000094.4 (MANE Select); coding-DNA position 593, T replaced by C.
Protein change: p.Val198Ala; replaces valine 198 with alanine.
Molecular consequence: missense variant.
Genome position (GRCh38, 1-based): chr3:48,593,191, A>G on the plus strand (T>C on the coding strand, the complement: COL7A1 is on the minus strand). VCF-style: chr3-48593191-A-G. GRCh37 (hg19) VCF-style: chr3-48630624-A-G.
Other names: short protein forms V198A.
Identifiers: ClinVar variation 2779586 (VCV002779586.3), dbSNP rs2045835286, ClinGen allele CA352743473.
Genomic context (GRCh38, chr3:48,593,191, plus strand): 5'-GTCGTGCACACTCTCCGGGAAACGAGGGGCAGTAGTGTCCTCAAGATGCTGAAGTCATTG[A>G]CGAAGAAGAAGAAGTCACTGGTGGGCTGTGAGGCAACTCGCTTCAGCTCCTCAGGGTCAG-3'
Protein context (NP_000085.1, residues 188-208): SQPTSDFFFF[Val198Ala]NDFSILRTLL